The following is an entry in ClinVar:

ClinVar aggregate classification (germline): Uncertain significance (1 of 4 stars; one submission).

Allele frequency attached by ClinVar (database versions not stated): TOPMed below 0.00001.

Submission:

Labcorp Genetics (formerly Invitae), Labcorp
Classification: Uncertain significance. Last evaluated: 2022-09-13. Review status: criteria provided, single submitter. Criteria: Invitae Variant Classification Sherloc (09022015). Collection method: clinical testing. Allele origin: germline.
Comment: This variant has not been reported in the literature in individuals affected with YARS2-related conditions. This variant is not present in population databases (gnomAD no frequency). This sequence change replaces leucine, which is neutral and non-polar, with valine, which is neutral and non-polar, at codon 198 of the YARS2 protein (p.Leu198Val). Advanced modeling of protein sequence and biophysical properties (such as structural, functional, and spatial information, amino acid conservation, physicochemical variation, residue mobility, and thermodynamic stability) performed at Invitae indicates that this missense variant is not expected to disrupt YARS2 protein function. In summary, the available evidence is currently insufficient to determine the role of this variant in disease. Therefore, it has been classified as a Variant of Uncertain Significance.

NM_001040436.3(YARS2):c.592C>G (p.Leu198Val)

Gene: YARS2 (tyrosyl-tRNA synthetase 2; minus strand). Cytogenetic location: 12p11.21.
Variant type: single nucleotide variant.
Coding change: c.592C>G on transcript NM_001040436.3 (MANE Select); coding-DNA position 592, C replaced by G.
Protein change: p.Leu198Val; replaces leucine 198 with valine.
Molecular consequence: missense variant.
Genome position (GRCh38, 1-based): chr12:32,755,283, G>C on the plus strand (C>G on the coding strand, the complement: YARS2 is on the minus strand). VCF-style: chr12-32755283-G-C. GRCh37 (hg19) VCF-style: chr12-32908217-G-C.
Other names: short protein forms L198V.
Identifiers: ClinVar variation 1954986 (VCV001954986.5), dbSNP rs1955826305, ClinGen allele CA384373586.